The following is an entry in ClinVar:

NM_007144.3(PCGF2):c.405C>T (p.Ile135=)

Gene: PCGF2 (polycomb group ring finger 2; minus strand). Cytogenetic location: 17q12.
Variant type: single nucleotide variant.
Coding change: c.405C>T on transcript NM_007144.3 (MANE Select); coding-DNA position 405, C replaced by T.
Protein change: p.Ile135=; no amino-acid change (isoleucine 135 retained).
Molecular consequence: synonymous variant.
Genome position (GRCh38, 1-based): chr17:38,738,773, G>A on the plus strand (C>T on the coding strand, the complement: PCGF2 is on the minus strand). VCF-style: chr17-38738773-G-A. GRCh37 (hg19) VCF-style: chr17-36895026-G-A.
Other names: c.405C>T (NM_007144.2); c.405C>T, p.Ile135= (NM_001369614.1, NM_001369615.1).
Identifiers: ClinVar variation 1906677 (VCV001906677.6), dbSNP rs776767435, ClinGen allele CA8525010.
Genomic context (GRCh38, chr17:38,738,773, plus strand): 5'-GACTAGGAACCCAGAAGGGGCCAGCCTGGGCCAGACTTGCCTGGCACCTTCGTAGAATTC[G>A]ATGGAGAGGCTGACAATCTCATCATCACTCAGAGCCCCCTTCTCCTGCTCCAAGACCTCG-3'
Protein context (NP_009075.1, residues 125-145): LSDDEIVSLS[Ile135=]EFYEGARDRD

ClinVar aggregate classification (germline): Likely benign. Review status: criteria provided, multiple submitters, no conflicts (2 of 4 stars). 2 submissions from 2 submitters: Likely benign (2). Last evaluated 2024-12-06.

Conditions:
PCGF2-related disorder. Also called: PCGF2-related condition.

Allele frequency attached by ClinVar (database versions not stated): ExAC 0.00002; gnomAD exomes 0.00002.
gnomAD v4.1: 41 of 1,613,674 alleles (0.0025%); highest among the groups gnomAD compares: Admixed American, 0.0033%; no homozygotes.

Submissions (2):

PreventionGenetics, part of Exact Sciences
Classification: Likely benign for PCGF2-related condition. Last evaluated: 2024-12-06. Review status: criteria provided, single submitter. Criteria: ACMG Guidelines, 2015. Collection method: clinical testing. Allele origin: germline.
Comment: This variant is classified as likely benign based on ACMG/AMP sequence variant interpretation guidelines (Richards et al. 2015 PMID: 25741868, with internal and published modifications).

Labcorp Genetics (formerly Invitae), Labcorp
Classification: Likely benign. Last evaluated: 2022-05-16. Review status: criteria provided, single submitter. Criteria: Invitae Variant Classification Sherloc (09022015). Collection method: clinical testing. Allele origin: germline.